The following is an entry in ClinVar:

ClinVar aggregate classification (germline): Uncertain significance (1 of 4 stars; one submission).

Conditions:
Inborn genetic diseases. Identifiers: MedGen C0950123, MeSH D030342.

Submission:

Ambry Genetics
Classification: Uncertain significance for Inborn genetic diseases. Last evaluated: 2025-05-31. Review status: criteria provided, single submitter. Criteria: Ambry Variant Classification Scheme 2023. Collection method: clinical testing. Allele origin: germline.
Comment: The p.P155S variant (also known as c.463C>T), located in coding exon 1 of the SH2B3 gene, results from a C to T substitution at nucleotide position 463. The proline at codon 155 is replaced by serine, an amino acid with similar properties. This amino acid position is conserved. In addition, this alteration is predicted to be tolerated by in silico analysis. Based on the available evidence, the clinical significance of this variant remains unclear.

NM_005475.3(SH2B3):c.463C>T (p.Pro155Ser)

Gene: SH2B3 (SH2B adaptor protein 3; plus strand). Cytogenetic location: 12q24.12.
Variant type: single nucleotide variant.
Coding change: c.463C>T on transcript NM_005475.3 (MANE Select); coding-DNA position 463, C replaced by T.
Protein change: p.Pro155Ser; replaces proline 155 with serine.
Molecular consequence: missense variant.
Genome position (GRCh38, 1-based): chr12:111,418,608, C>T. VCF-style: chr12-111418608-C-T. GRCh37 (hg19) VCF-style: chr12-111856412-C-T.
Other names: short protein forms P155S.
Identifiers: ClinVar variation 3953545 (VCV003953545.1).